The following is an entry in ClinVar:

ClinVar aggregate classification (germline): Uncertain significance. Review status: criteria provided, single submitter (1 of 4 stars). 2 submissions from 2 submitters: Uncertain significance (1). 1 of the submissions does not count toward it. Last evaluated 2021-08-13.

Conditions:
Inborn genetic diseases. Identifiers: MedGen C0950123, MeSH D030342.
TGFBI-related disorder. Also called: TGFBI-related condition.

Allele frequency attached by ClinVar (database versions not stated): 1000 Genomes Project 30x 0.00031; gnomAD 0.00072; TOPMed 0.00088.
gnomAD v4.1: 199 of 1,525,908 alleles (0.013%); highest among the groups gnomAD compares: African/African-American, 0.26%; 1 homozygote.

Submissions (2):

Ambry Genetics
Classification: Uncertain significance for Inborn genetic diseases. Last evaluated: 2021-08-13. Review status: criteria provided, single submitter. Criteria: Ambry Variant Classification Scheme 2023. Collection method: clinical testing. Allele origin: germline.

PreventionGenetics, part of Exact Sciences
Classification: Likely benign for TGFBI-related condition. Last evaluated: 2019-07-31. Review status: no assertion criteria provided. Collection method: clinical testing. Allele origin: germline. Not counted in ClinVar's aggregate classification.
Comment: This variant is classified as likely benign based on ACMG/AMP sequence variant interpretation guidelines (Richards et al. 2015 PMID: 25741868, with internal and published modifications).

NM_000358.3(TGFBI):c.50G>C (p.Gly17Ala)

Gene: TGFBI (transforming growth factor beta induced; plus strand). Cytogenetic location: 5q31.1.
Variant type: single nucleotide variant.
Coding change: c.50G>C on transcript NM_000358.3 (MANE Select); coding-DNA position 50, G replaced by C.
Protein change: p.Gly17Ala; replaces glycine 17 with alanine.
Molecular consequence: missense variant.
Genome position (GRCh38, 1-based): chr5:136,029,105, G>C. VCF-style: chr5-136029105-G-C. GRCh37 (hg19) VCF-style: chr5-135364794-G-C.
Other names: short protein forms G17A.
Identifiers: ClinVar variation 2352977 (VCV002352977.4), dbSNP rs770699457, ClinGen allele CA3419920.
Genomic context (GRCh38, chr5:136,029,105, plus strand): 5'-CGTCCCGCTCCATGGCGCTCTTCGTGCGGCTGCTGGCTCTCGCCCTGGCTCTGGCCCTGG[G>C]CCCCGCCGCGACCCTGGCGGGTCCCGCCAAGTCGCCCTACCAGCTGGTGCTGCAGCACAG-3'
Protein context (NP_000349.1, residues 7-27): LLALALALAL[Gly17Ala]PAATLAGPAK